The following is an entry in ClinVar:

NM_004560.4(ROR2):c.1859A>G (p.Asn620Ser)

Gene: ROR2 (receptor tyrosine kinase like orphan receptor 2; minus strand). Cytogenetic location: 9q22.31.
Variant type: single nucleotide variant.
Coding change: c.1859A>G on transcript NM_004560.4 (MANE Select); coding-DNA position 1859, A replaced by G.
Protein change: p.Asn620Ser; replaces asparagine 620 with serine.
Molecular consequence: missense variant.
Genome position (GRCh38, 1-based): chr9:91,724,635, T>C on the plus strand (A>G on the coding strand, the complement: ROR2 is on the minus strand). VCF-style: chr9-91724635-T-C. GRCh37 (hg19) VCF-style: chr9-94486917-T-C.
Other names: short protein forms N620S.
Identifiers: ClinVar variation 3597735 (VCV003597735.2).

ClinVar aggregate classification (germline): Uncertain significance. Review status: criteria provided, multiple submitters, no conflicts (2 of 4 stars). 2 submissions from 2 submitters: Uncertain significance (2). Last evaluated 2025-10-06.

Conditions:
Autosomal recessive Robinow syndrome (RRS1). Also called: COSTOVERTEBRAL SEGMENTATION DEFECT WITH MESOMELIA; COVESDEM SYNDROME; ROR2-Related Robinow Syndrome; ROBINOW SYNDROME, AUTOSOMAL RECESSIVE 1. Identifiers: Orphanet 1507, Orphanet 97360, MedGen C5399974, MONDO:0009999, OMIM 268310.
Brachydactyly type B1 (BDB1). Identifiers: Orphanet 572385, Orphanet 93383, MedGen C1862112, MONDO:0007220, OMIM 113000.

Submissions (2):

Labcorp Genetics (formerly Invitae), Labcorp
Classification: Uncertain significance. Last evaluated: 2025-10-06. Review status: criteria provided, single submitter. Criteria: Invitae Variant Classification Sherloc (09022015). Collection method: clinical testing. Allele origin: germline.
Comment: This sequence change replaces asparagine, which is neutral and polar, with serine, which is neutral and polar, at codon 620 of the ROR2 protein (p.Asn620Ser). This variant is present in population databases (rs771249364, gnomAD 0.01%). This variant has not been reported in the literature in individuals affected with ROR2-related conditions. ClinVar contains an entry for this variant (Variation ID: 3597735). Invitae Evidence Modeling of protein sequence and biophysical properties (such as structural, functional, and spatial information, amino acid conservation, physicochemical variation, residue mobility, and thermodynamic stability) indicates that this missense variant is expected to disrupt ROR2 protein function with a positive predictive value of 80%. In summary, the available evidence is currently insufficient to determine the role of this variant in disease. Therefore, it has been classified as a Variant of Uncertain Significance.

Fulgent Genetics
Classification: Uncertain significance for Brachydactyly type B1; Autosomal recessive Robinow syndrome. Last evaluated: 2024-06-01. Review status: criteria provided, single submitter. Criteria: ACMG Guidelines, 2015. Collection method: clinical testing. Allele origin: germline.